The following is an entry in ClinVar:

NM_054012.4(ASS1):c.847G>A (p.Glu283Lys)

Gene: ASS1 (argininosuccinate synthase 1; plus strand). Cytogenetic location: 9q34.11.
Variant type: single nucleotide variant.
Coding change: c.847G>A on transcript NM_054012.4 (MANE Select); coding-DNA position 847, G replaced by A.
Protein change: p.Glu283Lys; replaces glutamic acid 283 with lysine.
Molecular consequence: missense variant.
Genome position (GRCh38, 1-based): chr9:130,489,341, G>A. VCF-style: chr9-130489341-G-A. GRCh37 (hg19) VCF-style: chr9-133364728-G-A.
Other names: c.847G>A, p.Glu283Lys (NM_000050.4); short protein forms E283K.
Identifiers: ClinVar variation 430139 (VCV000430139.23), dbSNP rs765338121, ClinGen allele CA5283562.

ClinVar aggregate classification (germline): Pathogenic/Likely pathogenic. Review status: criteria provided, multiple submitters, no conflicts (2 of 4 stars). 6 submissions from 6 submitters: Pathogenic (2); Likely pathogenic (2). 2 of the submissions do not count toward it. Last evaluated 2026-01-19.

Conditions:
Citrullinemia. Identifiers: Orphanet 187, MedGen C0175683, MONDO:0015991.
Citrullinemia type I (CTNL1). Also called: ASS DEFICIENCY; argininosuccinate synthetase deficiency. Identifiers: Orphanet 247525, MedGen C4721769, MONDO:0008988, OMIM 215700.

Allele frequency attached by ClinVar (database versions not stated): gnomAD exomes 0.00001 and 0.00002; ExAC 0.00002; TOPMed 0.00002; gnomAD 0.00003 and 0.00004.
gnomAD v4.1: 26 of 1,612,906 alleles (0.0016%); highest among the groups gnomAD compares: African/African-American, 0.011%; no homozygotes.

Submissions (6):

Natera, Inc.
Classification: Pathogenic for Citrullinemia type I. Last evaluated: 2026-01-19. Review status: criteria provided, single submitter. Criteria: Natera Variant Classification Schema (03/2026). Collection method: clinical testing. Allele origin: germline.
Comment: The c.847G>A variant in ASS1 is a missense variant predicted to cause substitution of glutamic acid to lysine at amino acid 283. This variant is rare in the general population with a frequency below the threshold expected for the associated phenotype(s). This variant has been observed in one or more individuals affected with the associated recessive disease, as either homozygous or compound heterozygous with a second variant (PMID: 39175751, 36680390, 12815590, 31426867, 37485339). Computational prediction algorithms indicate this variant is likely to affect gene or protein function. Given the available evidence, this variant is classified as Pathogenic.

Labcorp Genetics (formerly Invitae), Labcorp
Classification: Pathogenic for Citrullinemia. Last evaluated: 2024-07-11. Review status: criteria provided, single submitter. Criteria: Invitae Variant Classification Sherloc (09022015). Collection method: clinical testing. Allele origin: germline.
Comment: This sequence change replaces glutamic acid, which is acidic and polar, with lysine, which is basic and polar, at codon 283 of the ASS1 protein (p.Glu283Lys). This variant is present in population databases (rs765338121, gnomAD 0.004%). This missense change has been observed in individual(s) with citrullinemia type (PMID: 12815590, 16475226, 23611581, 28111830; Invitae). ClinVar contains an entry for this variant (Variation ID: 430139). Advanced modeling of protein sequence and biophysical properties (such as structural, functional, and spatial information, amino acid conservation, physicochemical variation, residue mobility, and thermodynamic stability) performed at Invitae indicates that this missense variant is expected to disrupt ASS1 protein function with a positive predictive value of 80%. For these reasons, this variant has been classified as Pathogenic.

ARUP Laboratories, Molecular Genetics and Genomics, ARUP Laboratories
Classification: Likely pathogenic for Citrullinemia type I. Last evaluated: 2020-01-02. Review status: criteria provided, single submitter. Criteria: ARUP Molecular Germline Variant Investigation Process. Collection method: clinical testing. Allele origin: germline.
Comment: The ASS1 c.847G>A; p.Glu283Lys variant (rs765338121) is reported in the literature in the homozygous or compound heterozygous state in several individuals affected with citrullinemia (Diez-Fernandez 2017, Gao 2003, Kleijer 2006). This variant is reported in ClinVar (Variation ID: 430139), and is only observed on six alleles in the Genome Aggregation Database, indicating it is not a common polymorphism. The glutamic acid at codon 283 is highly conserved, and computational analyses (SIFT, PolyPhen-2) predict that this variant is deleterious. Based on available information, this variant is considered to be likely pathogenic. References: Diez-Fernandez C et al. Mutations in the Human Argininosuccinate Synthetase (ASS1) Gene, Impact on Patients, Common Changes, and Structural Considerations. Hum Mutat. 2017 May;38(5):471-484. Gao HZ et al. Identification of 16 novel mutations in the argininosuccinate synthetase gene and genotype-phenotype correlation in 38 classical citrullinemia patients. Hum Mutat. 2003 Jul;22(1):24-34. Kleijer WJ et al. Prenatal diagnosis of citrullinemia and argininosuccinic aciduria: evidence for a transmission ratio distortion in citrullinemia. Prenat Diagn. 2006 Mar;26(3):242-7.

GeneDx
Classification: Likely pathogenic. Last evaluated: 2015-12-03. Review status: criteria provided, single submitter. Criteria: GeneDx Variant Classification (06012015). Collection method: clinical testing. Allele origin: germline. Affected: yes.
Comment: The E283K variant is a non-conservative amino acid substitution, which is likely to impact secondary protein structure as these residues differ in polarity, charge, size and/or other properties. This substitution occurs at a position that is conserved across species. In silico analysis predicts this variant is probably damaging to the protein structure/function. Missense variants in nearby residues (R279Q, G280R, T284I) have been reported in the Human Gene Mutation Database in association with citrullinemia (Stenson et al., 2014), supporting the functional importance of this region of the protein. Therefore, this variant is likely pathogenic; however, the possibility that it is benign cannot be excluded.

Bioscientia Institut fuer Medizinische Diagnostik GmbH, Sonic Healthcare
Classification: Likely pathogenic for Citrullinemia type I. Last evaluated: 2018-02-19. Review status: no assertion criteria provided. Collection method: clinical testing. Allele origin: germline. Affected: yes. Not counted in ClinVar's aggregate classification.

Counsyl
Classification: Likely pathogenic for Citrullinemia type I. Last evaluated: 2018-01-12. Review status: no assertion criteria provided. Collection method: clinical testing. Allele origin: unknown. Not counted in ClinVar's aggregate classification.

Literature cited by the submitters: PubMed 39175751 (cited by Natera, Inc.); PubMed 36680390 (cited by Natera, Inc.); PubMed 12815590 (cited by 3 submitters); PubMed 31426867 (cited by Natera, Inc.); PubMed 37485339 (cited by Natera, Inc.); PubMed 16475226 (cited by Labcorp Genetics (formerly Invitae), Labcorp and Counsyl); PubMed 23611581 (cited by Labcorp Genetics (formerly Invitae), Labcorp and Counsyl); PubMed 28111830 (cited by Labcorp Genetics (formerly Invitae), Labcorp and Counsyl).